The following is an entry in ClinVar:

ClinVar aggregate classification (germline): Uncertain significance (1 of 4 stars; one submission).

gnomAD v4.1: 3 of 780,916 alleles (0.00038%); highest among the groups gnomAD compares: Non-Finnish European, 0.00072%; no homozygotes.

Submission:

Labcorp Genetics (formerly Invitae), Labcorp
Classification: Uncertain significance. Last evaluated: 2024-11-30. Review status: criteria provided, single submitter. Criteria: Invitae Variant Classification Sherloc (09022015). Collection method: clinical testing. Allele origin: germline.
Comment: This sequence change replaces serine, which is neutral and polar, with cysteine, which is neutral and slightly polar, at codon 1067 of the ADCY1 protein (p.Ser1067Cys). This variant is present in population databases (rs201599762, gnomAD 0.0009%). This variant has not been reported in the literature in individuals affected with ADCY1-related conditions. An algorithm developed to predict the effect of missense changes on protein structure and function (PolyPhen-2) suggests that this variant is likely to be disruptive. Algorithms developed to predict the effect of sequence changes on RNA splicing suggest that this variant may create or strengthen a splice site. In summary, the available evidence is currently insufficient to determine the role of this variant in disease. Therefore, it has been classified as a Variant of Uncertain Significance.

NM_021116.4(ADCY1):c.3200C>G (p.Ser1067Cys)

Gene: ADCY1 (adenylate cyclase 1; plus strand). Cytogenetic location: 7p12.3.
Variant type: single nucleotide variant.
Coding change: c.3200C>G on transcript NM_021116.4 (MANE Select); coding-DNA position 3200, C replaced by G.
Protein change: p.Ser1067Cys; replaces serine 1067 with cysteine.
Molecular consequence: missense variant.
Genome position (GRCh38, 1-based): chr7:45,713,835, C>G. VCF-style: chr7-45713835-C-G. GRCh37 (hg19) VCF-style: chr7-45753434-C-G.
Other names: short protein forms S1067C.
Identifiers: ClinVar variation 3618039 (VCV003618039.2).